The following is an entry in ClinVar:

NM_000384.3(APOB):c.7140C>T (p.Val2380=)

Gene: APOB (apolipoprotein B; minus strand). Cytogenetic location: 2p24.1.
Variant type: single nucleotide variant.
Coding change: c.7140C>T on transcript NM_000384.3 (MANE Select); coding-DNA position 7140, C replaced by T.
Protein change: p.Val2380=; no amino-acid change (valine 2380 retained).
Molecular consequence: synonymous variant.
Genome position (GRCh38, 1-based): chr2:21,009,728, G>A on the plus strand (C>T on the coding strand, the complement: APOB is on the minus strand). VCF-style: chr2-21009728-G-A. GRCh37 (hg19) VCF-style: chr2-21232600-G-A.
Identifiers: ClinVar variation 2451331 (VCV002451331.3), dbSNP rs768129683, ClinGen allele CA064095.

ClinVar aggregate classification (germline): Likely benign. Review status: criteria provided, multiple submitters, no conflicts (2 of 4 stars). 2 submissions from 2 submitters: Likely benign (2). Last evaluated 2025-01-09.

Conditions:
Cardiovascular phenotype. Identifiers: MedGen CN230736.
Familial hypercholesterolemia. Also called: Familial hypercholesterolaemia. Identifiers: MedGen C0020445, MONDO:0005439.

Allele frequency attached by ClinVar (database versions not stated): gnomAD 0.00001; gnomAD exomes 0.00001; TOPMed below 0.00001; ExAC 0.00001.
gnomAD v4.1: 13 of 1,613,672 alleles (0.00081%); highest among the groups gnomAD compares: Middle Eastern, 0.016%; no homozygotes.

Submissions (2):

GENinCode PLC
Classification: Likely benign for Familial hypercholesterolemia. Last evaluated: 2025-01-09. Review status: criteria provided, single submitter. Criteria: ACMG Guidelines, 2015. Collection method: clinical testing. Allele origin: germline.
Comment: This is a synonymous (silent) variant that is not predicted to impact splicing and occurs at a nucleotide which is not highly conserved. This variant has been classified as Likely Benign (BP4, BP7).

Ambry Genetics
Classification: Likely benign for Cardiovascular phenotype. Last evaluated: 2023-02-18. Review status: criteria provided, single submitter. Criteria: Ambry Variant Classification Scheme 2023. Collection method: clinical testing. Allele origin: germline.